The following is an entry in ClinVar:

ClinVar aggregate classification (germline): Uncertain significance (1 of 4 stars; one submission).

Conditions:
POLD1-related polyposis and colorectal cancer syndrome (CRCS10). Also called: Colorectal cancer 10; COLORECTAL CANCER, SUSCEPTIBILITY TO, ON CHROMOSOME 19q; Colorectal cancer, susceptibility to, 10. Identifiers: Orphanet 220460, MedGen C2675481, MONDO:0012953, OMIM 612591.

Submission:

Labcorp Genetics (formerly Invitae), Labcorp
Classification: Uncertain significance for POLD1-related polyposis and colorectal cancer syndrome. Last evaluated: 2021-04-11. Review status: criteria provided, single submitter. Criteria: Invitae Variant Classification Sherloc (09022015). Collection method: clinical testing. Allele origin: germline.
Comment: In summary, the available evidence is currently insufficient to determine the role of this variant in disease. Therefore, it has been classified as a Variant of Uncertain Significance. Algorithms developed to predict the effect of missense changes on protein structure and function (SIFT, PolyPhen-2, Align-GVGD) all suggest that this variant is likely to be tolerated, but these predictions have not been confirmed by published functional studies and their clinical significance is uncertain. This variant has not been reported in the literature in individuals with POLD1-related conditions. This variant is not present in population databases (ExAC no frequency). This sequence change replaces glutamic acid with alanine at codon 63 of the POLD1 protein (p.Glu63Ala). The glutamic acid residue is weakly conserved and there is a moderate physicochemical difference between glutamic acid and alanine.

NM_002691.4(POLD1):c.188A>C (p.Glu63Ala)

Gene: POLD1 (DNA polymerase delta 1, catalytic subunit; plus strand). Cytogenetic location: 19q13.33.
Variant type: single nucleotide variant.
Coding change: c.188A>C on transcript NM_002691.4 (MANE Select); coding-DNA position 188, A replaced by C.
Protein change: p.Glu63Ala; replaces glutamic acid 63 with alanine.
Molecular consequence: missense variant. On other transcripts: non-coding transcript variant (1).
Genome position (GRCh38, 1-based): chr19:50,399,039, A>C. VCF-style: chr19-50399039-A-C. GRCh37 (hg19) VCF-style: chr19-50902296-A-C.
Other names: c.188A>C, p.Glu63Ala (NM_001256849.1, NM_001308632.1); short protein forms E63A.
Identifiers: ClinVar variation 1525500 (VCV001525500.8), dbSNP rs2122197619, ClinGen allele CA406970337.